The following is an entry in ClinVar:

ClinVar aggregate classification (germline): Uncertain significance (1 of 4 stars; one submission).

Conditions:
Emery-Dreifuss muscular dystrophy 5, autosomal dominant (EDMD5). Also called: EMERY-DREIFUSS MUSCULAR DYSTROPHY 5. Identifiers: Orphanet 261, MedGen C2751805, MONDO:0013072, OMIM 612999.

Submission:

Labcorp Genetics (formerly Invitae), Labcorp
Classification: Uncertain significance for Emery-Dreifuss muscular dystrophy 5, autosomal dominant. Last evaluated: 2025-05-19. Review status: criteria provided, single submitter. Criteria: Invitae Variant Classification Sherloc (09022015). Collection method: clinical testing. Allele origin: germline.
Comment: This sequence change replaces isoleucine, which is neutral and non-polar, with leucine, which is neutral and non-polar, at codon 2100 of the SYNE2 protein (p.Ile2100Leu). This variant is not present in population databases (gnomAD no frequency). This variant has not been reported in the literature in individuals affected with SYNE2-related conditions. An algorithm developed to predict the effect of missense changes on protein structure and function outputs the following: PolyPhen-2: "Benign". The leucine amino acid residue is found in multiple mammalian species, which suggests that this missense change does not adversely affect protein function. In summary, the available evidence is currently insufficient to determine the role of this variant in disease. Therefore, it has been classified as a Variant of Uncertain Significance.

NM_182914.3(SYNE2):c.6298A>C (p.Ile2100Leu)

Gene: SYNE2 (spectrin repeat containing nuclear envelope protein 2; plus strand). Cytogenetic location: 14q23.2.
Variant type: single nucleotide variant.
Coding change: c.6298A>C on transcript NM_182914.3 (MANE Select); coding-DNA position 6298, A replaced by C.
Protein change: p.Ile2100Leu; replaces isoleucine 2100 with leucine.
Molecular consequence: missense variant.
Genome position (GRCh38, 1-based): chr14:64,026,624, A>C. VCF-style: chr14-64026624-A-C. GRCh37 (hg19) VCF-style: chr14-64493342-A-C.
Other names: c.6298A>C, p.Ile2100Leu (NM_015180.6); short protein forms I2100L.
Identifiers: ClinVar variation 4737689 (VCV004737689.1).
Genomic context (GRCh38, chr14:64,026,624, plus strand): 5'-TTTTATTTAATTCAGGAAATCATTTTGCTGAAGCCTGAAGGGGATGCCAGAATAGAGACC[A>C]TCATGAAGCAGGCTGAGAGCAGCGAGGCCCCGCTGGTTCAGAAGACCCTCACTGACATCA-3'
Protein context (NP_878918.2, residues 2090-2110): KPEGDARIET[Ile2100Leu]MKQAESSEAP